The following is an entry in ClinVar:

NM_001903.5(CTNNA1):c.1121A>C (p.Lys374Thr)

Gene: CTNNA1 (catenin alpha 1; plus strand). Cytogenetic location: 5q31.2.
Variant type: single nucleotide variant.
Coding change: c.1121A>C on transcript NM_001903.5 (MANE Select); coding-DNA position 1121, A replaced by C.
Protein change: p.Lys374Thr; replaces lysine 374 with threonine.
Molecular consequence: missense variant. On other transcripts: 5 prime UTR variant (5), intron variant (2).
Genome position (GRCh38, 1-based): chr5:138,886,270, A>C. VCF-style: chr5-138886270-A-C. GRCh37 (hg19) VCF-style: chr5-138221959-A-C.
Other names: c.1121A>C, p.Lys374Thr (NM_001290307.3, NM_001323982.2, NM_001323983.1 and 3 more transcripts); c.812A>C, p.Lys271Thr (NM_001290309.3); c.752A>C, p.Lys251Thr (NM_001290310.3); c.11A>C, p.Lys4Thr (NM_001290312.1, NM_001323987.1, NM_001323988.1 and 18 more transcripts); c.-387A>C (NM_001324008.1, NM_001324009.1, NM_001324006.1 and 1 more transcripts); c.-262A>C (NM_001324013.1); c.-58+10673A>C (NM_001324012.1); c.-61+10673A>C (NM_001324010.1); short protein forms K271T, K374T, K4T, K251T.
Identifiers: ClinVar variation 2830880 (VCV002830880.3), dbSNP rs2532981629, ClinGen allele CA361132600.

ClinVar aggregate classification (germline): Uncertain significance (1 of 4 stars; one submission).

Submission:

Labcorp Genetics (formerly Invitae), Labcorp
Classification: Uncertain significance. Last evaluated: 2024-10-21. Review status: criteria provided, single submitter. Criteria: Invitae Variant Classification Sherloc (09022015). Collection method: clinical testing. Allele origin: germline.
Comment: This sequence change replaces lysine, which is basic and polar, with threonine, which is neutral and polar, at codon 374 of the CTNNA1 protein (p.Lys374Thr). This variant is not present in population databases (gnomAD no frequency). This variant has not been reported in the literature in individuals affected with CTNNA1-related conditions. Invitae Evidence Modeling of protein sequence and biophysical properties (such as structural, functional, and spatial information, amino acid conservation, physicochemical variation, residue mobility, and thermodynamic stability) indicates that this missense variant is not expected to disrupt CTNNA1 protein function with a negative predictive value of 80%. In summary, the available evidence is currently insufficient to determine the role of this variant in disease. Therefore, it has been classified as a Variant of Uncertain Significance.